The following is an entry in ClinVar:

NM_000065.5(C6):c.2122G>A (p.Val708Ile)

Gene: C6 (complement C6; minus strand). Cytogenetic location: 5p13.1.
Variant type: single nucleotide variant.
Coding change: c.2122G>A on transcript NM_000065.5 (MANE Select); coding-DNA position 2122, G replaced by A.
Protein change: p.Val708Ile; replaces valine 708 with isoleucine.
Molecular consequence: missense variant.
Genome position (GRCh38, 1-based): chr5:41,153,978, C>T on the plus strand (G>A on the coding strand, the complement: C6 is on the minus strand). VCF-style: chr5-41153978-C-T. GRCh37 (hg19) VCF-style: chr5-41154080-C-T.
Other names: c.2122G>A, p.Val708Ile (NM_001115131.4); short protein forms V708I.
Identifiers: ClinVar variation 2810046 (VCV002810046.3), dbSNP rs774281612, ClinGen allele CA3252194.

ClinVar aggregate classification (germline): Uncertain significance (1 of 4 stars; one submission).

Allele frequency attached by ClinVar (database versions not stated): gnomAD exomes below 0.00001; TOPMed below 0.00001; ExAC 0.00001; gnomAD 0.00001.
gnomAD v4.1: 2 of 1,613,614 alleles (0.00012%); highest among the groups gnomAD compares: Admixed American, 0.0017%; no homozygotes.

Submission:

Labcorp Genetics (formerly Invitae), Labcorp
Classification: Uncertain significance. Last evaluated: 2023-01-04. Review status: criteria provided, single submitter. Criteria: Invitae Variant Classification Sherloc (09022015). Collection method: clinical testing. Allele origin: germline.
Comment: In summary, the available evidence is currently insufficient to determine the role of this variant in disease. Therefore, it has been classified as a Variant of Uncertain Significance. Algorithms developed to predict the effect of missense changes on protein structure and function output the following: SIFT: "Tolerated"; PolyPhen-2: "Benign"; Align-GVGD: "Class C0". The isoleucine amino acid residue is found in multiple mammalian species, which suggests that this missense change does not adversely affect protein function. This variant has not been reported in the literature in individuals affected with C6-related conditions. This variant is present in population databases (rs774281612, gnomAD 0.003%). This sequence change replaces valine, which is neutral and non-polar, with isoleucine, which is neutral and non-polar, at codon 708 of the C6 protein (p.Val708Ile).